The following is an entry in ClinVar:

ClinVar aggregate classification (germline): Uncertain significance (1 of 4 stars; one submission).

Conditions:
Inflammatory skin and bowel disease, neonatal, 1. Identifiers: Orphanet 294023, MedGen C3280501, MONDO:0013693, OMIM 614328.

Allele frequency attached by ClinVar (database versions not stated): TOPMed below 0.00001; ExAC 0.00001; gnomAD exomes 0.00001.
gnomAD v4.1: 2 of 1,606,582 alleles (0.00012%); highest among the groups gnomAD compares: Admixed American, 0.0034%; no homozygotes.

Submission:

Labcorp Genetics (formerly Invitae), Labcorp
Classification: Uncertain significance for Inflammatory skin and bowel disease, neonatal, 1. Last evaluated: 2018-10-01. Review status: criteria provided, single submitter. Criteria: Invitae Variant Classification Sherloc (09022015). Collection method: clinical testing. Allele origin: germline.
Comment: This variant has not been reported in the literature in individuals with ADAM17-related disease. Algorithms developed to predict the effect of missense changes on protein structure and function (SIFT, PolyPhen-2, Align-GVGD) all suggest that this variant is likely to be tolerated, but these predictions have not been confirmed by published functional studies and their clinical significance is uncertain. In summary, the available evidence is currently insufficient to determine the role of this variant in disease. Therefore, it has been classified as a Variant of Uncertain Significance. This variant is present in population databases (rs770400357, ExAC 0.009%). This sequence change replaces aspartic acid with alanine at codon 134 of the ADAM17 protein (p.Asp134Ala). The aspartic acid residue is moderately conserved and there is a moderate physicochemical difference between aspartic acid and alanine.

NM_003183.6(ADAM17):c.401A>C (p.Asp134Ala)

Gene: ADAM17 (ADAM metallopeptidase domain 17; minus strand). Cytogenetic location: 2p25.1.
Variant type: single nucleotide variant.
Coding change: c.401A>C on transcript NM_003183.6 (MANE Select); coding-DNA position 401, A replaced by C.
Protein change: p.Asp134Ala; replaces aspartic acid 134 with alanine.
Molecular consequence: missense variant.
Genome position (GRCh38, 1-based): chr2:9,535,883, T>G on the plus strand (A>C on the coding strand, the complement: ADAM17 is on the minus strand). VCF-style: chr2-9535883-T-G. GRCh37 (hg19) VCF-style: chr2-9676012-T-G.
Other names: c.401A>C, p.Asp134Ala (LRG_1203t1); short protein forms D134A.
Identifiers: ClinVar variation 645625 (VCV000645625.7), dbSNP rs770400357, ClinGen allele CA1523776.